The following is an entry in ClinVar:

NM_001923.5(DDB1):c.977C>G (p.Ser326Cys)

Gene: DDB1 (damage specific DNA binding protein 1; minus strand). Cytogenetic location: 11q12.2.
Variant type: single nucleotide variant.
Coding change: c.977C>G on transcript NM_001923.5 (MANE Select); coding-DNA position 977, C replaced by G.
Protein change: p.Ser326Cys; replaces serine 326 with cysteine.
Molecular consequence: missense variant.
Genome position (GRCh38, 1-based): chr11:61,323,039, G>C on the plus strand (C>G on the coding strand, the complement: DDB1 is on the minus strand). VCF-style: chr11-61323039-G-C. GRCh37 (hg19) VCF-style: chr11-61090511-G-C.
Other names: short protein forms S326C.
Identifiers: ClinVar variation 3901939 (VCV003901939.1).

ClinVar aggregate classification (germline): Uncertain significance (1 of 4 stars; one submission).

Conditions:
White-Kernohan syndrome. Also called: GLOBAL DEVELOPMENTAL DELAY, HYPOTONIA, AND CHARACTERISTIC FACIAL FEATURES. Identifiers: MedGen C5543635, MONDO:0859169, OMIM 619426.

Submission:

Laboratorio de Genetica e Diagnostico Molecular, Hospital Israelita Albert Einstein
Classification: Uncertain significance for White-Kernohan syndrome. Last evaluated: 2024-10-25. Review status: criteria provided, single submitter. Criteria: ACMG Guidelines, 2015. Collection method: clinical testing. Allele origin: germline. Affected: yes.
Comment: ACMG classification criteria: PM2 supporting, PP2 supporting, PP3 supporting